The following is an entry in ClinVar:

ClinVar aggregate classification (germline): Uncertain significance. Review status: criteria provided, multiple submitters, no conflicts (2 of 4 stars). 2 submissions from 2 submitters: Uncertain significance (2). Last evaluated 2025-06-28.

Conditions:
Hereditary cancer-predisposing syndrome. Also called: Hereditary neoplastic syndrome; Hereditary Cancer Syndrome; Neoplastic Syndromes, Hereditary; Tumor predisposition. Identifiers: Orphanet 140162, MedGen C0027672, MeSH D009386, MONDO:0015356.
Fanconi anemia complementation group J. Also called: BRIP1-Related Fanconi Anemia. Identifiers: Orphanet 84, MedGen C1836860, MONDO:0012187, OMIM 609054.
Familial cancer of breast. Also called: Hereditary breast cancer; BREAST CANCER, FAMILIAL; hereditary breast carcinoma. Identifiers: Orphanet 227535, MedGen C0346153, MONDO:0016419, OMIM 114480. Disease mechanism: loss of function.

Submissions (2):

Ambry Genetics
Classification: Uncertain significance for Hereditary cancer-predisposing syndrome. Last evaluated: 2025-06-28. Review status: criteria provided, single submitter. Criteria: Ambry Variant Classification Scheme 2023. Collection method: clinical testing. Allele origin: germline.
Comment: The p.V676M variant (also known as c.2026G>A), located in coding exon 13 of the BRIP1 gene, results from a G to A substitution at nucleotide position 2026. The valine at codon 676 is replaced by methionine, an amino acid with highly similar properties. This amino acid position is conserved. In addition, the in silico prediction for this alteration is inconclusive. Based on the available evidence, the clinical significance of this variant remains unclear.

Labcorp Genetics (formerly Invitae), Labcorp
Classification: Uncertain significance for Familial cancer of breast; Fanconi anemia complementation group J. Last evaluated: 2020-11-22. Review status: criteria provided, single submitter. Criteria: Invitae Variant Classification Sherloc (09022015). Collection method: clinical testing. Allele origin: germline.
Comment: This variant has not been reported in the literature in individuals with BRIP1-related conditions. This variant is not present in population databases (ExAC no frequency). This sequence change replaces valine with methionine at codon 676 of the BRIP1 protein (p.Val676Met). The valine residue is moderately conserved and there is a small physicochemical difference between valine and methionine. Algorithms developed to predict the effect of missense changes on protein structure and function are either unavailable or do not agree on the potential impact of this missense change (SIFT: "Deleterious"; PolyPhen-2: "Probably Damaging"; Align-GVGD: "Class C0"). In summary, the available evidence is currently insufficient to determine the role of this variant in disease. Therefore, it has been classified as a Variant of Uncertain Significance.

NM_032043.3(BRIP1):c.2026G>A (p.Val676Met)

Gene: BRIP1 (BRCA1 interacting DNA helicase 1; minus strand). Cytogenetic location: 17q23.2.
Variant type: single nucleotide variant.
Coding change: c.2026G>A on transcript NM_032043.3 (MANE Select); coding-DNA position 2026, G replaced by A.
Protein change: p.Val676Met; replaces valine 676 with methionine.
Molecular consequence: missense variant.
Genome position (GRCh38, 1-based): chr17:61,776,472, C>T on the plus strand (G>A on the coding strand, the complement: BRIP1 is on the minus strand). VCF-style: chr17-61776472-C-T. GRCh37 (hg19) VCF-style: chr17-59853833-C-T.
Other names: c.2026G>A (NM_032043.2); short protein forms V676M.
Identifiers: ClinVar variation 1364668 (VCV001364668.10), dbSNP rs2077535030, ClinGen allele CA400478281.